The following is an entry in ClinVar:

NM_017739.4(POMGNT1):c.234T>C (p.Tyr78=)

Gene: POMGNT1 (protein O-linked mannose N-acetylglucosaminyltransferase 1 (beta 1,2-); minus strand). Cytogenetic location: 1p34.1.
Variant type: single nucleotide variant.
Coding change: c.234T>C on transcript NM_017739.4 (MANE Select); coding-DNA position 234, T replaced by C.
Protein change: p.Tyr78=; no amino-acid change (tyrosine 78 retained).
Molecular consequence: synonymous variant. On other transcripts: 5 prime UTR variant (1).
Genome position (GRCh38, 1-based): chr1:46,196,971, A>G on the plus strand (T>C on the coding strand, the complement: POMGNT1 is on the minus strand). VCF-style: chr1-46196971-A-G. GRCh37 (hg19) VCF-style: chr1-46662643-A-G.
Other names: c.234T>C, p.Tyr78= (NM_001243766.2, NM_001410783.1); c.168T>C, p.Tyr56= (NM_001290129.3); c.-196T>C (NM_001290130.2).
Identifiers: ClinVar variation 515391 (VCV000515391.1), dbSNP rs111913458, ClinGen allele CA21918132.

ClinVar aggregate classification (germline): Likely benign (1 of 4 stars; one submission).

Allele frequency attached by ClinVar (database versions not stated): gnomAD exomes below 0.00001 and 0.00001.
gnomAD v4.1: 5 of 1,614,156 alleles (0.00031%); highest among the groups gnomAD compares: South Asian, 0.0044%; no homozygotes.

Submission:

GeneDx
Classification: Likely benign. Last evaluated: 2018-02-02. Review status: criteria provided, single submitter. Criteria: GeneDx Variant Classification (06012015). Collection method: clinical testing. Allele origin: germline. Affected: yes.
Comment: This variant is considered likely benign or benign based on one or more of the following criteria: it is a conservative change, it occurs at a poorly conserved position in the protein, it is predicted to be benign by multiple in silico algorithms, and/or has population frequency not consistent with disease.